The following is an entry in ClinVar:

NM_005560.6(LAMA5):c.9550C>G (p.Gln3184Glu)

Gene: LAMA5 (laminin subunit alpha 5; minus strand). Cytogenetic location: 20q13.33.
Variant type: single nucleotide variant.
Coding change: c.9550C>G on transcript NM_005560.6 (MANE Select); coding-DNA position 9550, C replaced by G.
Protein change: p.Gln3184Glu; replaces glutamine 3184 with glutamic acid.
Molecular consequence: missense variant.
Genome position (GRCh38, 1-based): chr20:62,312,005, G>C on the plus strand (C>G on the coding strand, the complement: LAMA5 is on the minus strand). VCF-style: chr20-62312005-G-C. GRCh37 (hg19) VCF-style: chr20-60887061-G-C.
Other names: p.Gln3184Glu; short protein forms Q3184E.
Identifiers: ClinVar variation 4542397 (VCV004542397.1).

ClinVar aggregate classification (germline): Uncertain significance (1 of 4 stars; one submission).

gnomAD v4.1: 3 of 1,612,726 alleles (0.00019%); highest among the groups gnomAD compares: Non-Finnish European, 0.00017%; no homozygotes.

Submission:

Mayo Clinic Laboratories, Mayo Clinic
Classification: Uncertain significance. Last evaluated: 2025-06-22. Review status: criteria provided, single submitter. Criteria: ACMG Guidelines, 2015. Collection method: clinical testing. Allele origin: germline. Observed: 1 variant allele.
Comment: BP4_moderate, PM2_supporting